The following is an entry in ClinVar:

ClinVar aggregate classification (germline): Uncertain significance (1 of 4 stars; one submission).

Submission:

Labcorp Genetics (formerly Invitae), Labcorp
Classification: Uncertain significance. Last evaluated: 2021-07-14. Review status: criteria provided, single submitter. Criteria: Invitae Variant Classification Sherloc (09022015). Collection method: clinical testing. Allele origin: germline.
Comment: This sequence change replaces serine with isoleucine at codon 96 of the NEFH protein (p.Ser96Ile). The serine residue is highly conserved and there is a large physicochemical difference between serine and isoleucine. The frequency data for this variant in the population databases is considered unreliable, as metrics indicate insufficient coverage at this position in the ExAC database. This variant has not been reported in the literature in individuals affected with NEFH-related conditions. Advanced modeling of protein sequence and biophysical properties (such as structural, functional, and spatial information, amino acid conservation, physicochemical variation, residue mobility, and thermodynamic stability) performed at Invitae indicates that this missense variant is not expected to disrupt NEFH protein function. In summary, the available evidence is currently insufficient to determine the role of this variant in disease. Therefore, it has been classified as a Variant of Uncertain Significance.

NM_021076.4(NEFH):c.287G>T (p.Ser96Ile)

Gene: NEFH (neurofilament heavy chain; plus strand). Cytogenetic location: 22q12.2.
Variant type: single nucleotide variant.
Coding change: c.287G>T on transcript NM_021076.4 (MANE Select); coding-DNA position 287, G replaced by T.
Protein change: p.Ser96Ile; replaces serine 96 with isoleucine.
Molecular consequence: missense variant.
Genome position (GRCh38, 1-based): chr22:29,480,549, G>T. VCF-style: chr22-29480549-G-T. GRCh37 (hg19) VCF-style: chr22-29876538-G-T.
Other names: short protein forms S96I.
Identifiers: ClinVar variation 1427129 (VCV001427129.8), dbSNP rs1391439128, ClinGen allele CA411122426.